The following is an entry in ClinVar:

ClinVar aggregate classification (germline): Uncertain significance (1 of 4 stars; one submission).

Conditions:
EGFR-related lung cancer (EGFR). Identifiers: MedGen CN130014.

Allele frequency attached by ClinVar (database versions not stated): gnomAD exomes below 0.00001.
gnomAD v4.1: 1 of 1,614,176 alleles (0.000062%); highest among the groups gnomAD compares: East Asian, 0.0022%; no homozygotes.

Submission:

Labcorp Genetics (formerly Invitae), Labcorp
Classification: Uncertain significance for EGFR-related lung cancer. Last evaluated: 2025-06-29. Review status: criteria provided, single submitter. Criteria: Invitae Variant Classification Sherloc (09022015). Collection method: clinical testing. Allele origin: germline.
Comment: This sequence change replaces threonine, which is neutral and polar, with isoleucine, which is neutral and non-polar, at codon 993 of the EGFR protein (p.Thr993Ile). This variant is not present in population databases (gnomAD no frequency). This variant has not been reported in the literature in individuals affected with EGFR-related conditions. ClinVar contains an entry for this variant (Variation ID: 1395595). Invitae Evidence Modeling of protein sequence and biophysical properties (such as structural, functional, and spatial information, amino acid conservation, physicochemical variation, residue mobility, and thermodynamic stability) indicates that this missense variant is not expected to disrupt EGFR protein function with a negative predictive value of 80%. In summary, the available evidence is currently insufficient to determine the role of this variant in disease. Therefore, it has been classified as a Variant of Uncertain Significance.

NM_005228.5(EGFR):c.2978C>T (p.Thr993Ile)

Gene: EGFR (epidermal growth factor receptor; plus strand). Cytogenetic location: 7p11.2.
Variant type: single nucleotide variant.
Coding change: c.2978C>T on transcript NM_005228.5 (MANE Select); coding-DNA position 2978, C replaced by T.
Protein change: p.Thr993Ile; replaces threonine 993 with isoleucine.
Molecular consequence: missense variant.
Genome position (GRCh38, 1-based): chr7:55,201,219, C>T. VCF-style: chr7-55201219-C-T. GRCh37 (hg19) VCF-style: chr7-55268912-C-T.
Other names: c.2843C>T, p.Thr948Ile (NM_001346897.2, NM_001346899.2); c.2978C>T, p.Thr993Ile (NM_001346898.2); c.2819C>T, p.Thr940Ile (NM_001346900.2); c.2177C>T, p.Thr726Ile (NM_001346941.2); short protein forms T993I, T726I, T940I, T948I.
Identifiers: ClinVar variation 1395595 (VCV001395595.8), dbSNP rs2128971524, ClinGen allele CA367582402.